The following is an entry in ClinVar:

ClinVar aggregate classification (germline): Conflicting classifications of pathogenicity. Review status: criteria provided, conflicting classifications (1 of 4 stars). 2 submissions from 2 submitters: Uncertain significance (1); Likely benign (1). Last evaluated 2023-04-07.

Conditions:
Inborn genetic diseases. Identifiers: MedGen C0950123, MeSH D030342.

Allele frequency attached by ClinVar (database versions not stated): gnomAD exomes below 0.00001; TOPMed below 0.00001.

Submissions (2):

Ambry Genetics
Classification: Likely benign for Inborn genetic diseases. Last evaluated: 2023-04-07. Review status: criteria provided, single submitter. Criteria: Ambry Variant Classification Scheme 2023. Collection method: clinical testing. Allele origin: germline.

Labcorp Genetics (formerly Invitae), Labcorp
Classification: Uncertain significance. Last evaluated: 2022-08-22. Review status: criteria provided, single submitter. Criteria: Invitae Variant Classification Sherloc (09022015). Collection method: clinical testing. Allele origin: germline.
Comment: In summary, the available evidence is currently insufficient to determine the role of this variant in disease. Therefore, it has been classified as a Variant of Uncertain Significance. Algorithms developed to predict the effect of missense changes on protein structure and function output the following: SIFT: "Not Available"; PolyPhen-2: "Benign"; Align-GVGD: "Not Available". The valine amino acid residue is found in multiple mammalian species, which suggests that this missense change does not adversely affect protein function. This variant has not been reported in the literature in individuals affected with USH1G-related conditions. This variant is not present in population databases (gnomAD no frequency). This sequence change replaces alanine, which is neutral and non-polar, with valine, which is neutral and non-polar, at codon 241 of the USH1G protein (p.Ala241Val).

NM_173477.5(USH1G):c.722C>T (p.Ala241Val)

Gene: USH1G (USH1 protein network component sans; minus strand). Cytogenetic location: 17q25.1.
Variant type: single nucleotide variant.
Coding change: c.722C>T on transcript NM_173477.5 (MANE Select); coding-DNA position 722, C replaced by T.
Protein change: p.Ala241Val; replaces alanine 241 with valine.
Molecular consequence: missense variant.
Genome position (GRCh38, 1-based): chr17:74,920,114, G>A on the plus strand (C>T on the coding strand, the complement: USH1G is on the minus strand). VCF-style: chr17-74920114-G-A. GRCh37 (hg19) VCF-style: chr17-72916209-G-A.
Other names: c.413C>T, p.Ala138Val (NM_001282489.3); c.722C>T (NM_173477.2); short protein forms A138V, A241V.
Identifiers: ClinVar variation 1716396 (VCV001716396.5), dbSNP rs1187467461, ClinGen allele CA400963685.